The following is an entry in ClinVar:

ClinVar aggregate classification (germline): Uncertain significance (1 of 4 stars; one submission).

Conditions:
Marfan syndrome (MFS). Also called: MARFAN SYNDROME, TYPE I; FBN1-Related Marfan Syndrome; Marfan syndrome type 1; Marfan's syndrome; Marfan syndrome, classic. Identifiers: Orphanet 284963, Orphanet 558, MedGen C0024796, MONDO:0007947, OMIM 154700.

Submission:

3billion
Classification: Uncertain significance for Marfan syndrome. Review status: criteria provided, single submitter. Criteria: ACMG Guidelines, 2015. Collection method: clinical testing. Allele origin: unknown. Affected: yes. Observed: 1 heterozygote.
Comment: The variant is not observed in the gnomAD v2.1.1 dataset. In silico tool predictions suggest damaging effect of the variant on gene or gene product (REVEL: 0.94; 3Cnet: 0.99). Different missense changes at the same codon (p.Cys1526Ser, p.Cys1526Tyr) have been reported to be associated with FBN1 related disorder (ClinVar ID: VCV000264314 / PMID: 18087243, 19839986). However the evidence of pathogenicity is insufficient at this time. Therefore, this variant is classified as Uncertain significance according to the recommendation of ACMG/AMP guideline.

Literature cited by the submitters: PubMed 18087243; PubMed 19839986.

NM_000138.5(FBN1):c.4577G>T (p.Cys1526Phe)

Gene: FBN1 (fibrillin 1; minus strand). Cytogenetic location: 15q21.1.
Variant type: single nucleotide variant.
Coding change: c.4577G>T on transcript NM_000138.5 (MANE Select); coding-DNA position 4577, G replaced by T.
Protein change: p.Cys1526Phe; replaces cysteine 1526 with phenylalanine.
Molecular consequence: missense variant.
Genome position (GRCh38, 1-based): chr15:48,468,417, C>A on the plus strand (G>T on the coding strand, the complement: FBN1 is on the minus strand). VCF-style: chr15-48468417-C-A. GRCh37 (hg19) VCF-style: chr15-48760614-C-A.
Other names: c.4577G>T, p.Cys1526Phe (NM_001406716.1); short protein forms C1526F.
Identifiers: ClinVar variation 2572452 (VCV002572452.1), dbSNP rs886039120, ClinGen allele CA392353299.
Genomic context (GRCh38, chr15:48,468,417, plus strand): 5'-TTTTCAAAATAATACACAGTATGCTTGCTTCTCTGAAAAGTTTTTAAGGTCTTACCAACA[C>A]AGCCAACTCGAGTTGGGTTCAGTTCAAAATCAGGTGGGCAGTCACAGATATAGCTGCCTG-3'
Protein context (NP_000129.3, residues 1516-1536): DFELNPTRVG[Cys1526Phe]VDTRSGNCYL